The following is an entry in ClinVar:

Conditions:
Arteriohepatic dysplasia. Also called: Alagille Syndrome. Identifiers: Orphanet 52, MedGen C0085280, MeSH D016738, MONDO:0007318.

Submission:

Gilbert/Spinner Lab, Children's Hospital of Philadelphia
No classification provided (evidence only). Condition: Alagille syndrome. Review status: no classification provided. Collection method: research. Allele origin: not applicable. Functional consequence: functionally_abnormal.
ClinVar note: "not provided" was previously submitted as the classification for the variant. However, the classification appeared to be based only on an observation of functional data so it was converted to no classification on 2025-07-30.

NM_000214.3(JAG1):c.935G>C (p.Cys312Ser)

Gene: JAG1 (jagged canonical Notch ligand 1; minus strand). Cytogenetic location: 20p12.2.
Variant type: single nucleotide variant.
Coding change: c.935G>C on transcript NM_000214.3 (MANE Select); coding-DNA position 935, G replaced by C.
Protein change: p.Cys312Ser; replaces cysteine 312 with serine.
Molecular consequence: missense variant.
Genome position (GRCh38, 1-based): chr20:10,652,202, C>G on the plus strand (G>C on the coding strand, the complement: JAG1 is on the minus strand). VCF-style: chr20-10652202-C-G. GRCh37 (hg19) VCF-style: chr20-10632850-C-G.
Other names: short protein forms C312S.
Identifiers: ClinVar variation 3573191 (VCV003573191.2).